The following is an entry in ClinVar:

ClinVar aggregate classification (germline): Likely benign. Review status: criteria provided, single submitter (1 of 4 stars). 2 submissions from 2 submitters: Likely benign (1). 1 of the submissions does not count toward it. Last evaluated 2025-10-23.

Conditions:
MAPKBP1-related disorder. Also called: MAPKBP1-related condition.

Allele frequency attached by ClinVar (database versions not stated): gnomAD exomes 0.00005 and 0.00006; ExAC 0.00006; TOPMed 0.00008; ESP Exome Variant Server 0.00015.
gnomAD v4.1: 78 of 1,613,934 alleles (0.0048%); highest among the groups gnomAD compares: African/African-American, 0.008%; no homozygotes.

Submissions (2):

Labcorp Genetics (formerly Invitae), Labcorp
Classification: Likely benign. Last evaluated: 2025-10-23. Review status: criteria provided, single submitter. Criteria: Invitae Variant Classification Sherloc (09022015). Collection method: clinical testing. Allele origin: germline.

PreventionGenetics, part of Exact Sciences
Classification: Likely benign for MAPKBP1-related condition. Last evaluated: 2019-08-12. Review status: no assertion criteria provided. Collection method: clinical testing. Allele origin: germline. Not counted in ClinVar's aggregate classification.
Comment: This variant is classified as likely benign based on ACMG/AMP sequence variant interpretation guidelines (Richards et al. 2015 PMID: 25741868, with internal and published modifications).

NM_014994.3(MAPKBP1):c.735G>A (p.Ala245=)

Gene: MAPKBP1 (mitogen-activated protein kinase binding protein 1; plus strand). Cytogenetic location: 15q15.1.
Variant type: single nucleotide variant.
Coding change: c.735G>A on transcript NM_014994.3 (MANE Select); coding-DNA position 735, G replaced by A.
Protein change: p.Ala245=; no amino-acid change (alanine 245 retained).
Molecular consequence: synonymous variant. On other transcripts: non-coding transcript variant (2).
Genome position (GRCh38, 1-based): chr15:41,813,017, G>A. VCF-style: chr15-41813017-G-A. GRCh37 (hg19) VCF-style: chr15-42105215-G-A.
Other names: c.735G>A, p.Ala245= (NM_001128608.2, NM_001265611.2).
Identifiers: ClinVar variation 794501 (VCV000794501.6), dbSNP rs148091466, ClinGen allele CA7497636.